The following is an entry in ClinVar:

ClinVar aggregate classification (germline): Pathogenic. Review status: criteria provided, multiple submitters, no conflicts (2 of 4 stars). 4 submissions from 4 submitters: Pathogenic (4). Last evaluated 2025-09-20.

Conditions:
Hereditary spastic paraplegia 11. Also called: Spastic Paraplegia 11; Nakamura Osame syndrome; Autosomal recessive hereditary spastic paraplegia, mental impairment, and thin corpus callosum; Spastic paraplegia, mental retardation and thin corpus callosum; SPASTIC PARAPLEGIA, AUTOSOMAL RECESSIVE, COMPLICATED, WITH THIN CORPUS CALLOSUM; SPASTIC PARAPLEGIA, AUTOSOMAL RECESSIVE, WITH MENTAL IMPAIRMENT AND THIN CORPUS CALLOSUM. Identifiers: Orphanet 2822, MedGen C1858479, MONDO:0011445, OMIM 604360.

Submissions (4):

GeneDx
Classification: Pathogenic. Last evaluated: 2025-09-20. Review status: criteria provided, single submitter. Criteria: GeneDx Variant Classification Process June 2021. Collection method: clinical testing. Allele origin: germline. Affected: yes.
Comment: Reported in the published literature in a patient with cerebral palsy (PMID: 33528536); Not observed at significant frequency in large population cohorts (gnomAD); Frameshift variant predicted to result in protein truncation or nonsense mediated decay in a gene for which loss of function is a known mechanism of disease; This variant is associated with the following publications: (PMID: 26556829, 22154821, 20110243, 19105190, 33528536)

Variantyx, Inc.
Classification: Pathogenic for Hereditary spastic paraplegia 11. Last evaluated: 2025-04-11. Review status: criteria provided, single submitter. Criteria: Variantyx Assertion Criteria 2022. Collection method: clinical testing. Allele origin: germline. Inheritance: Autosomal recessive inheritance. Affected: no.
Comment: This is a frameshift variant in the SPG11 gene (OMIM: 610844). Pathogenic variants in this gene have been associated with autosomal recessive spastic paraplegia 11. This variant introduces a premature termination codon in exon 12 out of 40 and is expected to result in loss of function, which is a known disease mechanism for SPG11 in this disorder (PMID: 33528536) (PVS1). This variant has been identified in the homozygous or compound heterozygous state in at least one individual reported in the published literature (PMID: 33528536) (PM3). It has a 0.0023% maximum allele frequency in non-founder control populations (PM2). Based on the current evidence, this variant is classified as pathogenic for autosomal recessive spastic paraplegia 11.

Labcorp Genetics (formerly Invitae), Labcorp
Classification: Pathogenic for Hereditary spastic paraplegia 11. Last evaluated: 2024-07-03. Review status: criteria provided, single submitter. Criteria: Invitae Variant Classification Sherloc (09022015). Collection method: clinical testing. Allele origin: germline.
Comment: This sequence change creates a premature translational stop signal (p.Gln755Hisfs*22) in the SPG11 gene. It is expected to result in an absent or disrupted protein product. Loss-of-function variants in SPG11 are known to be pathogenic (PMID: 19105190, 20110243, 22154821, 26556829). This variant is not present in population databases (gnomAD no frequency). This variant has not been reported in the literature in individuals affected with SPG11-related conditions. ClinVar contains an entry for this variant (Variation ID: 503795). Algorithms developed to predict the effect of sequence changes on RNA splicing suggest that this variant may disrupt the consensus splice site. For these reasons, this variant has been classified as Pathogenic.

Genome-Nilou Lab
Classification: Pathogenic for Hereditary spastic paraplegia 11. Review status: criteria provided, single submitter. Criteria: ACMG Guidelines, 2015. Collection method: clinical testing. Allele origin: germline.

Literature cited by the submitters: PubMed 33528536 (cited by Variantyx, Inc.); PubMed 19105190 (cited by Labcorp Genetics (formerly Invitae), Labcorp); PubMed 20110243 (cited by Labcorp Genetics (formerly Invitae), Labcorp); PubMed 22154821 (cited by Labcorp Genetics (formerly Invitae), Labcorp); PubMed 26556829 (cited by Labcorp Genetics (formerly Invitae), Labcorp).

NM_025137.4(SPG11):c.2265del (p.Gln755fs)

Gene: SPG11 (SPG11 vesicle trafficking associated, spatacsin; minus strand). Cytogenetic location: 15q21.1.
Variant type: Deletion.
Coding change: c.2265del on transcript NM_025137.4 (MANE Select); coding-DNA position 2265, one base deleted (A; older notation c.2265delA).
Protein change: p.Gln755fs; shifts the reading frame from glutamine 755.
Molecular consequence: frameshift variant.
Genome position (GRCh38, 1-based): chr15:44,622,779, T deleted on the plus strand (A on the coding strand, the reverse complement: SPG11 is on the minus strand); the first of 2 consecutive T bases (chr15:44,622,779-44,622,780); deleting either gives the same sequence. VCF-style (leftmost placement, unchanged base first): chr15-44622778-AT-A. GRCh37 (hg19) VCF-style: chr15-44914976-AT-A.
Other names: c.2265del, p.Gln755fs (NM_001160227.2); c.2265del (NM_025137.3); short protein forms Q755fs.
Identifiers: ClinVar variation 503795 (VCV000503795.11), dbSNP rs1215058780, ClinGen allele CA490205010.